The following is an entry in ClinVar:

NM_005739.4(RASGRP1):c.1518_1519del (p.Phe506fs)

Gene: RASGRP1 (RAS guanyl releasing protein 1; minus strand). Cytogenetic location: 15q14.
Variant type: Deletion.
Coding change: c.1518_1519del on transcript NM_005739.4 (MANE Select); coding-DNA positions 1518 to 1519, 2 bases deleted (CT; older notation c.1518_1519delCT).
Protein change: p.Phe506fs; shifts the reading frame from phenylalanine 506.
Molecular consequence: frameshift variant.
Genome position (GRCh38, 1-based): chr15:38,502,331-38,502,332, AG deleted on the plus strand (CT on the coding strand, the reverse complement: RASGRP1 is on the minus strand); deleting any 2 consecutive bases within chr15:38,502,331-38,502,333 gives the same sequence; the c. name uses the placement nearest the transcript's 3' end. VCF-style (leftmost placement, unchanged base first): chr15-38502330-CAG-C. GRCh37 (hg19) VCF-style: chr15-38794531-CAG-C.
Other names: c.1413_1414del, p.Phe471fs (NM_001128602.2, NM_001306086.2); short protein forms F471fs, F506fs.
Identifiers: ClinVar variation 2806584 (VCV002806584.3), dbSNP rs2542868197, ClinGen allele CA2739278194.

ClinVar aggregate classification (germline): Pathogenic (1 of 4 stars; one submission).

Submission:

Labcorp Genetics (formerly Invitae), Labcorp
Classification: Pathogenic. Last evaluated: 2023-10-05. Review status: criteria provided, single submitter. Criteria: Invitae Variant Classification Sherloc (09022015). Collection method: clinical testing. Allele origin: germline.
Comment: This sequence change creates a premature translational stop signal (p.Phe506Leufs*15) in the RASGRP1 gene. It is expected to result in an absent or disrupted protein product. Loss-of-function variants in RASGRP1 are known to be pathogenic (PMID: 11017103, 27776107, 28822832). This variant is not present in population databases (gnomAD no frequency). This variant has not been reported in the literature in individuals affected with RASGRP1-related conditions. For these reasons, this variant has been classified as Pathogenic.

Literature cited by the submitters: PubMed 11017103; PubMed 27776107; PubMed 28822832.